The following is an entry in ClinVar:

NM_001142800.2(EYS):c.1068dup (p.Ile357fs)

Gene: EYS (EGF-like photoreceptor maintenance factor; minus strand). Cytogenetic location: 6q12.
Variant type: Duplication.
Coding change: c.1068dup on transcript NM_001142800.2 (MANE Select); coding-DNA position 1068, one base duplicated (C; older notation c.1068dupC).
Protein change: p.Ile357fs; shifts the reading frame from isoleucine 357.
Molecular consequence: frameshift variant.
Genome position (GRCh38, 1-based): chr6:65,402,594, G duplicated on the plus strand (C on the coding strand, the reverse complement: EYS is on the minus strand). VCF-style (leftmost placement, unchanged base first): chr6-65402593-T-TG. GRCh37 (hg19) VCF-style: chr6-66112486-T-TG.
Other names: c.1068dup, p.Ile357fs (NM_001142801.2, NM_001292009.2, NM_198283.2); short protein forms I357fs.
Identifiers: ClinVar variation 2759757 (VCV002759757.3), dbSNP rs2533367780, ClinGen allele CA2697553531.

ClinVar aggregate classification (germline): Pathogenic (1 of 4 stars; one submission).

Submission:

Labcorp Genetics (formerly Invitae), Labcorp
Classification: Pathogenic. Last evaluated: 2023-09-13. Review status: criteria provided, single submitter. Criteria: Invitae Variant Classification Sherloc (09022015). Collection method: clinical testing. Allele origin: germline.
Comment: For these reasons, this variant has been classified as Pathogenic. This variant has not been reported in the literature in individuals affected with EYS-related conditions. This variant is not present in population databases (gnomAD no frequency). This sequence change creates a premature translational stop signal (p.Ile357Hisfs*12) in the EYS gene. It is expected to result in an absent or disrupted protein product. Loss-of-function variants in EYS are known to be pathogenic (PMID: 18836446, 20333770).

Literature cited by the submitters: PubMed 18836446; PubMed 20333770.